The following is an entry in ClinVar:

ClinVar aggregate classification (germline): Uncertain significance (1 of 4 stars; one submission).

gnomAD v4.1: 5 of 1,613,840 alleles (0.00031%); highest among the groups gnomAD compares: South Asian, 0.0044%; no homozygotes.

Submission:

Labcorp Genetics (formerly Invitae), Labcorp
Classification: Uncertain significance. Last evaluated: 2025-07-29. Review status: criteria provided, single submitter. Criteria: Invitae Variant Classification Sherloc (09022015). Collection method: clinical testing. Allele origin: germline.
Comment: This sequence change replaces glutamine, which is neutral and polar, with histidine, which is basic and polar, at codon 121 of the NDUFA9 protein (p.Gln121His). This variant is present in population databases (rs199712789, gnomAD 0.01%). This variant has not been reported in the literature in individuals affected with NDUFA9-related conditions. An algorithm developed to predict the effect of missense changes on protein structure and function (PolyPhen-2) suggests that this variant is likely to be tolerated. In summary, the available evidence is currently insufficient to determine the role of this variant in disease. Therefore, it has been classified as a Variant of Uncertain Significance.

NM_005002.5(NDUFA9):c.363A>T (p.Gln121His)

Gene: NDUFA9 (NADH:ubiquinone oxidoreductase subunit A9; plus strand). Cytogenetic location: 12p13.32.
Variant type: single nucleotide variant.
Coding change: c.363A>T on transcript NM_005002.5 (MANE Select); coding-DNA position 363, A replaced by T.
Protein change: p.Gln121His; replaces glutamine 121 with histidine.
Molecular consequence: missense variant.
Genome position (GRCh38, 1-based): chr12:4,657,792, A>T. VCF-style: chr12-4657792-A-T. GRCh37 (hg19) VCF-style: chr12-4766958-A-T.
Other names: short protein forms Q121H.
Identifiers: ClinVar variation 4775784 (VCV004775784.1).